The following is an entry in ClinVar:

ClinVar aggregate classification (germline): Benign. Review status: criteria provided, multiple submitters, no conflicts (2 of 4 stars). 3 submissions from 3 submitters: Benign (3). Last evaluated 2026-02-01.

Conditions:
Severe combined immunodeficiency disease. Also called: Severe Combined Immune Deficiency; Severe combined immunodeficiency. Identifiers: Orphanet 183660, MedGen C0085110, MeSH D016511, MONDO:0015974, HP:0004430. Inheritance: X-Linked or Autosomal recessive.
T-B+ severe combined immunodeficiency due to JAK3 deficiency. Also called: SCID, autosomal recessive, T-negative/B-positive type; SCID, T CELL-NEGATIVE, B CELL-POSITIVE, NK CELL-NEGATIVE. Identifiers: Orphanet 35078, MedGen C1833275, MONDO:0010938, OMIM 600802.

Submissions (3):

Labcorp Genetics (formerly Invitae), Labcorp
Classification: Benign for T-B+ severe combined immunodeficiency due to JAK3 deficiency. Last evaluated: 2026-02-01. Review status: criteria provided, single submitter. Criteria: Invitae Variant Classification Sherloc (09022015). Collection method: clinical testing. Allele origin: germline.

GeneDx
Classification: Benign. Last evaluated: 2018-01-18. Review status: criteria provided, single submitter. Criteria: GeneDx Variant Classification (06012015). Collection method: clinical testing. Allele origin: germline. Affected: yes.
Comment: This variant is considered likely benign or benign based on one or more of the following criteria: it is a conservative change, it occurs at a poorly conserved position in the protein, it is predicted to be benign by multiple in silico algorithms, and/or has population frequency not consistent with disease.

Women's Health and Genetics/Laboratory Corporation of America, LabCorp
Classification: Benign for SCID. Last evaluated: 2011-08-18. Review status: criteria provided, single submitter. Criteria: LabCorp Variant Classification Summary - May 2015. Collection method: curation, clinical testing. Allele origin: germline. Inheritance: autosomal unknown. Affected: yes.
ClinVar note: Converted during submission from benign to Benign.

NM_000215.4(JAK3):c.308+16del

Gene: JAK3 (Janus kinase 3; minus strand). Cytogenetic location: 19p13.11.
Variant type: Deletion.
Coding change: c.308+16del on transcript NM_000215.4 (MANE Select); 16 bases into the intron after coding-DNA position 308, one base deleted (C; older notation c.308+16delC).
Molecular consequence: intron variant.
Genome position (GRCh38, 1-based): chr19:17,843,761, G deleted on the plus strand (C on the coding strand, the reverse complement: JAK3 is on the minus strand); the first of 6 consecutive G bases (chr19:17,843,761-17,843,766); deleting any one gives the same sequence. VCF-style (leftmost placement, unchanged base first): chr19-17843760-TG-T. GRCh37 (hg19) VCF-style: chr19-17954569-TG-T.
Other names: c.308+16delC (NM_000215.3).
Identifiers: ClinVar variation 36420 (VCV000036420.12), dbSNP rs3212717, ClinGen allele CA214094.